The following is an entry in ClinVar:

NM_001005242.3(PKP2):c.73C>G (p.Leu25Val)

Gene: PKP2 (plakophilin 2; minus strand). Cytogenetic location: 12p11.21.
Variant type: single nucleotide variant.
Coding change: c.73C>G on transcript NM_001005242.3 (MANE Select); coding-DNA position 73, C replaced by G.
Protein change: p.Leu25Val; replaces leucine 25 with valine.
Molecular consequence: missense variant.
Genome position (GRCh38, 1-based): chr12:32,896,659, G>C on the plus strand (C>G on the coding strand, the complement: PKP2 is on the minus strand). VCF-style: chr12-32896659-G-C. GRCh37 (hg19) VCF-style: chr12-33049593-G-C.
Other names: c.73C>G, p.Leu25Val (NM_004572.4); short protein forms L25V.
Identifiers: ClinVar variation 533035 (VCV000533035.8), dbSNP rs1555149974, ClinGen allele CA384371560.
Genomic context (GRCh38, chr12:32,896,659, plus strand): 5'-CGCTGCTCCCCGCCAGCTTCAGCTTGGCCTCGGAGGGCAGCGCCAGGCTGGAGCTGTCCA[G>C]TTGTCCCAGGATCTGCTGGCCCAGGACGGTCCGGATGTAGCCGTACTCAGCTGGGGCGCC-3'
Protein context (NP_001005242.2, residues 15-35): TVLGQQILGQ[Leu25Val]DSSSLALPSE

ClinVar aggregate classification (germline): Uncertain significance (1 of 4 stars; one submission).

Conditions:
Arrhythmogenic right ventricular dysplasia 9 (ARVD9). Also called: Arrhythmogenic Right Ventricular Dysplasia/Cardiomyopathy 9; ARRHYTHMOGENIC RIGHT VENTRICULAR DYSPLASIA, FAMILIAL, 9. Identifiers: MedGen C1836906, MONDO:0012180, OMIM 609040.

Submission:

Labcorp Genetics (formerly Invitae), Labcorp
Classification: Uncertain significance for Arrhythmogenic right ventricular dysplasia 9. Last evaluated: 2017-08-21. Review status: criteria provided, single submitter. Criteria: Invitae Variant Classification Sherloc (09022015). Collection method: clinical testing. Allele origin: germline.
Comment: While this variant is not present in population databases, the frequency information is unreliable, as metrics indicate poor data quality at this position in the ExAC database. In summary, the available evidence is currently insufficient to determine the role of this variant in disease. Therefore, it has been classified as a Variant of Uncertain Significance. Algorithms developed to predict the effect of missense changes on protein structure and function (SIFT, PolyPhen-2, Align-GVGD) all suggest that this variant is likely to be tolerated, but these predictions have not been confirmed by published functional studies and their clinical significance is uncertain. This variant has not been reported in the literature in individuals with PKP2-related disease. This sequence change replaces leucine with valine at codon 25 of the PKP2 protein (p.Leu25Val). The leucine residue is moderately conserved and there is a small physicochemical difference between leucine and valine.